The following is an entry in ClinVar:

NM_002253.4(KDR):c.3741del (p.Glu1248fs)

Gene: KDR (kinase insert domain receptor; minus strand). Cytogenetic location: 4q12.
Variant type: Deletion.
Coding change: c.3741del on transcript NM_002253.4 (MANE Select); coding-DNA position 3741, one base deleted (A; older notation c.3741delA).
Protein change: p.Glu1248fs; shifts the reading frame from glutamic acid 1248.
Molecular consequence: frameshift variant.
Genome position (GRCh38, 1-based): chr4:55,082,557, T deleted on the plus strand (A on the coding strand, the reverse complement: KDR is on the minus strand). VCF-style (leftmost placement, unchanged base first): chr4-55082556-CT-C. GRCh37 (hg19) VCF-style: chr4-55948723-CT-C.
Other names: short protein forms E1248fs.
Identifiers: ClinVar variation 4075500 (VCV004075500.1).

ClinVar aggregate classification (germline): Uncertain significance (1 of 4 stars; one submission).

Submission:

GeneDx
Classification: Uncertain significance. Last evaluated: 2022-08-27. Review status: criteria provided, single submitter. Criteria: GeneDx Variant Classification Process June 2021. Collection method: clinical testing. Allele origin: germline. Affected: yes.
Comment: Not observed at significant frequency in large population cohorts (gnomAD); Frameshift variant predicted to result in protein truncation or nonsense mediated decay in a gene or region of a gene for which loss of function is not a well-established mechanism of disease; Has not been previously published as pathogenic or benign to our knowledge; Variants in candidate genes are classified as variants of uncertain significance in accordance with ACMG guidelines (Richards et al., 2015)